The following is an entry in ClinVar:

ClinVar aggregate classification (germline): Conflicting classifications of pathogenicity. Review status: criteria provided, conflicting classifications (1 of 4 stars). 5 submissions from 5 submitters: Uncertain significance (2); Likely benign (2). 1 of the submissions does not count toward it. Last evaluated 2026-01-07.

Conditions:
P3H1-related disorder. Also called: P3H1-related condition.
Inborn genetic diseases. Identifiers: MedGen C0950123, MeSH D030342.
Osteogenesis imperfecta type 8 (OI8). Identifiers: MedGen C1970458, MONDO:0012581, OMIM 610915.

Allele frequency attached by ClinVar (database versions not stated): TOPMed 0.00010; 1000 Genomes Project 30x 0.00031; ESP Exome Variant Server 0.00038; 1000 Genomes Project 0.00040; gnomAD 0.00050; gnomAD exomes 0.00057; ExAC 0.00060.

Submissions (6):

Labcorp Genetics (formerly Invitae), Labcorp
Classification: Likely benign for Osteogenesis imperfecta type 8. Last evaluated: 2026-01-07. Review status: criteria provided, single submitter. Criteria: Invitae Variant Classification Sherloc (09022015). Collection method: clinical testing. Allele origin: germline.

Blueprint Genetics
Classification: Uncertain significance. Last evaluated: 2024-11-05. Review status: criteria provided, single submitter. Criteria: ACMG Guidelines, 2015. Collection method: clinical testing. Allele origin: germline.

Ambry Genetics
Classification: Uncertain significance for Inborn genetic diseases. Last evaluated: 2024-04-24. Review status: criteria provided, single submitter. Criteria: Ambry Variant Classification Scheme 2023. Collection method: clinical testing. Allele origin: germline.

GeneDx
Classification: Likely benign. Last evaluated: 2018-06-25. Review status: criteria provided, single submitter. Criteria: GeneDx Variant Classification Process June 2021. Collection method: clinical testing. Allele origin: germline. Affected: yes.

PreventionGenetics, part of Exact Sciences
Classification: Likely benign for P3H1-related condition. Last evaluated: 2023-06-07. Review status: no assertion criteria provided. Collection method: clinical testing. Allele origin: germline. Not counted in ClinVar's aggregate classification.
Comment: This variant is classified as likely benign based on ACMG/AMP sequence variant interpretation guidelines (Richards et al. 2015 PMID: 25741868, with internal and published modifications).

Dr. Peter K. Rogan Lab, Western University
No classification provided (evidence only). Condition: Clear cell carcinoma of kidney. Review status: no classification provided. Collection method: in vitro. Allele origin: not applicable. Functional consequence: retained intron. Not counted in ClinVar's aggregate classification.

NM_022356.4(P3H1):c.1795G>A (p.Val599Met)

Gene: P3H1 (prolyl 3-hydroxylase 1; minus strand). Cytogenetic location: 1p34.2.
Variant type: single nucleotide variant.
Coding change: c.1795G>A on transcript NM_022356.4 (MANE Select); coding-DNA position 1795, G replaced by A.
Protein change: p.Val599Met; replaces valine 599 with methionine.
Molecular consequence: missense variant.
Genome position (GRCh38, 1-based): chr1:42,748,243, C>T on the plus strand (G>A on the coding strand, the complement: P3H1 is on the minus strand). VCF-style: chr1-42748243-C-T. GRCh37 (hg19) VCF-style: chr1-43213914-C-T.
Other names: c.1795G>A, p.Val599Met (NM_001146289.2, NM_001243246.2); short protein forms V599M.
Identifiers: ClinVar variation 706065 (VCV000706065.19), dbSNP rs140254470, ClinGen allele CA801698.